The following is an entry in ClinVar:

ClinVar aggregate classification (germline): Likely pathogenic (1 of 4 stars; one submission).

Conditions:
Hereditary cancer-predisposing syndrome. Also called: Tumor predisposition; Hereditary Cancer Syndrome; Neoplastic Syndromes, Hereditary; Hereditary neoplastic syndrome. Identifiers: Orphanet 140162, MedGen C0027672, MeSH D009386, MONDO:0015356.

Submission:

Color Diagnostics, LLC DBA Color Health
Classification: Likely pathogenic for Hereditary cancer-predisposing syndrome. Last evaluated: 2025-08-19. Review status: criteria provided, single submitter. Criteria: ACMG Guidelines, 2015. Collection method: clinical testing. Allele origin: germline.
Comment: This variant causes a A to T nucleotide substitution at the -2 position of intron 7 of the PMS2 gene. Splice site prediction tools predict that this variant may have a significant impact on RNA splicing. Although this prediction has not been confirmed in published RNA studies, this variant is expected to result in an absent or disrupted protein product. Other variant at this splice site are considered disease causing (ClinVar Variation IDs: 573060, 850689, 1761766, 1761767). This variant has not been reported in individuals affected with PMS2-related disorders in the literature. This variant has not been identified in the general population by the Genome Aggregation Database (gnomAD). Based on the available evidence, this variant is classified as Likely Pathogenic.

NM_000535.7(PMS2):c.804-2A>T

Gene: PMS2 (PMS1 homolog 2, mismatch repair system component; minus strand). Cytogenetic location: 7p22.1.
Variant type: single nucleotide variant.
Coding change: c.804-2A>T on transcript NM_000535.7 (MANE Select); the canonical splice acceptor site of the intron before coding-DNA position 804, A replaced by T.
Molecular consequence: splice acceptor variant. On other transcripts: intron variant (4).
Genome position (GRCh38, 1-based): chr7:5,995,635, T>A on the plus strand (A>T on the coding strand, the complement: PMS2 is on the minus strand). VCF-style: chr7-5995635-T-A. GRCh37 (hg19) VCF-style: chr7-6035266-T-A.
Other names: c.486-2A>T (NM_001322008.2, NM_001406902.1, NM_001406883.1 and 4 more transcripts); c.495-2A>T (NM_001406881.1, NM_001406879.1, NM_001322015.2 and 6 more transcripts); c.399-2A>T (NM_001406895.1, NM_001322010.2, NM_001322004.2 and 19 more transcripts); c.133-3578A>T (NM_001406911.1); c.291-2A>T (NM_001406904.1, NM_001406905.1); c.231-2A>T (NM_001322013.2, NM_001406909.1); c.-130-2A>T (NM_001322012.2, NM_001322011.2); c.468-2A>T (NM_001406885.1); and 8 more.
Identifiers: ClinVar variation 4757898 (VCV004757898.1).